The following is an entry in ClinVar:

ClinVar aggregate classification (germline): Likely benign. Review status: criteria provided, multiple submitters, no conflicts (2 of 4 stars). 3 submissions from 3 submitters: Likely benign (3). Last evaluated 2026-07-21.

Conditions:
SLC34A3-related disorder. Also called: SLC34A3-related condition.
Inborn genetic diseases. Identifiers: MedGen C0950123, MeSH D030342.

Allele frequency attached by ClinVar (database versions not stated): gnomAD exomes 0.00019; ExAC 0.00020; gnomAD 0.00089 and 0.00097; ESP Exome Variant Server 0.00094; TOPMed 0.00100.
gnomAD v4.1: 287 of 1,602,314 alleles (0.018%); highest among the groups gnomAD compares: African/African-American, 0.33%; no homozygotes.

Submissions (3):

PreventionGenetics, part of Exact Sciences
Classification: Likely benign for SLC34A3-related condition. Last evaluated: 2026-07-21. Review status: criteria provided, single submitter. Criteria: ACMG Guidelines, 2015. Collection method: clinical testing. Allele origin: germline.
Comment: This variant is classified as likely benign based on ACMG/AMP sequence variant interpretation guidelines (Richards et al. 2015 PMID: 25741868, with internal and published modifications).

Labcorp Genetics (formerly Invitae), Labcorp
Classification: Likely benign. Last evaluated: 2026-01-27. Review status: criteria provided, single submitter. Criteria: Invitae Variant Classification Sherloc (09022015). Collection method: clinical testing. Allele origin: germline.

Ambry Genetics
Classification: Likely benign for Inborn genetic diseases. Last evaluated: 2025-08-20. Review status: criteria provided, single submitter. Criteria: Ambry Variant Classification Scheme 2023. Collection method: clinical testing. Allele origin: germline.

NM_001177316.2(SLC34A3):c.1162G>A (p.Ala388Thr)

Gene: SLC34A3 (solute carrier family 34 member 3; plus strand). Cytogenetic location: 9q34.3.
Variant type: single nucleotide variant.
Coding change: c.1162G>A on transcript NM_001177316.2 (MANE Select); coding-DNA position 1162, G replaced by A.
Protein change: p.Ala388Thr; replaces alanine 388 with threonine.
Molecular consequence: missense variant.
Genome position (GRCh38, 1-based): chr9:137,234,484, G>A. VCF-style: chr9-137234484-G-A. GRCh37 (hg19) VCF-style: chr9-140128936-G-A.
Other names: c.1162G>A, p.Ala388Thr (NM_001177317.2, NM_080877.3); short protein forms A388T.
Identifiers: ClinVar variation 726536 (VCV000726536.12), dbSNP rs201683019, ClinGen allele CA5364818.